The following is an entry in ClinVar:

NM_000138.5(FBN1):c.1133C>G (p.Pro378Arg)

Genes: FBN1 (fibrillin 1; minus strand), LOC113939944 (Sharpr-MPRA regulatory region 9539; plus strand). Cytogenetic location: 15q21.1.
Variant type: single nucleotide variant.
Coding change: c.1133C>G on transcript NM_000138.5 (MANE Select); coding-DNA position 1133, C replaced by G.
Protein change: p.Pro378Arg; replaces proline 378 with arginine.
Molecular consequence: missense variant.
Genome position (GRCh38, 1-based): chr15:48,520,673, G>C on the plus strand (C>G on the coding strand, the complement: FBN1 is on the minus strand). VCF-style: chr15-48520673-G-C. GRCh37 (hg19) VCF-style: chr15-48812870-G-C.
Other names: short protein forms P378R.
Identifiers: ClinVar variation 1512654 (VCV001512654.8), dbSNP rs1274000764, ClinGen allele CA392347069.

ClinVar aggregate classification (germline): Uncertain significance (1 of 4 stars; one submission).

Conditions:
Marfan syndrome (MFS). Also called: MARFAN SYNDROME, TYPE I; Marfan syndrome type 1; Marfan's syndrome; Marfan syndrome, classic; FBN1-Related Marfan Syndrome. Identifiers: Orphanet 284963, Orphanet 558, MedGen C0024796, MONDO:0007947, OMIM 154700.
Familial thoracic aortic aneurysm and aortic dissection (TAAD). Also called: Thoracic aortic aneurysms and dissections. Identifiers: Orphanet 91387, MedGen C4707243, MONDO:0019625.

Allele frequency attached by ClinVar (database versions not stated): gnomAD exomes below 0.00001.
gnomAD v4.1: 1 of 1,614,064 alleles (0.000062%); highest among the groups gnomAD compares: South Asian, 0.0011%; no homozygotes.

Submission:

Labcorp Genetics (formerly Invitae), Labcorp
Classification: Uncertain significance for Marfan syndrome; Familial thoracic aortic aneurysm and aortic dissection. Last evaluated: 2022-03-18. Review status: criteria provided, single submitter. Criteria: Invitae Variant Classification Sherloc (09022015). Collection method: clinical testing. Allele origin: germline.
Comment: Advanced modeling of protein sequence and biophysical properties (such as structural, functional, and spatial information, amino acid conservation, physicochemical variation, residue mobility, and thermodynamic stability) performed at Invitae indicates that this missense variant is expected to disrupt FBN1 protein function. This sequence change replaces proline, which is neutral and non-polar, with arginine, which is basic and polar, at codon 378 of the FBN1 protein (p.Pro378Arg). This variant is present in population databases (no rsID available, gnomAD 0.003%). This variant has not been reported in the literature in individuals affected with FBN1-related conditions. In summary, the available evidence is currently insufficient to determine the role of this variant in disease. Therefore, it has been classified as a Variant of Uncertain Significance.